The following is an entry in ClinVar:

NM_001282933.2(ZNF341):c.1156C>T (p.Arg386Ter)

Gene: ZNF341 (zinc finger protein 341; plus strand). Cytogenetic location: 20q11.22.
Variant type: single nucleotide variant.
Coding change: c.1156C>T on transcript NM_001282933.2 (MANE Select); coding-DNA position 1156, C replaced by T.
Protein change: p.Arg386Ter; replaces arginine 386 with a stop codon.
Molecular consequence: nonsense. On other transcripts: non-coding transcript variant (1).
Genome position (GRCh38, 1-based): chr20:33,761,989, C>T. VCF-style: chr20-33761989-C-T. GRCh37 (hg19) VCF-style: chr20-32349795-C-T.
Other names: c.886C>T, p.Arg296Ter (NM_001282935.2); c.1135C>T, p.Arg379Ter (NM_032819.5); short protein forms R386*, R379*, R296*.
Identifiers: ClinVar variation 599411 (VCV000599411.3), dbSNP rs982121798, ClinGen allele CA313343274.

ClinVar aggregate classification (germline): Pathogenic. Review status: criteria provided, single submitter (1 of 4 stars). 2 submissions from 2 submitters: Pathogenic (1). 1 of the submissions does not count toward it. Last evaluated 2019-05-29.

Conditions:
Hyper-IgE recurrent infection syndrome 3, autosomal recessive. Also called: HYPER-IgE SYNDROME 3, AUTOSOMAL RECESSIVE, WITH RECURRENT INFECTIONS; Autosomal recessive hyper-IgE syndrome due to ZNF341 deficiency. Identifiers: Orphanet 641368, MedGen C4748969, MONDO:0032654, OMIM 618282.

Allele frequency attached by ClinVar (database versions not stated): gnomAD exomes below 0.00001; TOPMed below 0.00001.
gnomAD v4.1: 4 of 1,605,876 alleles (0.00025%); highest among the groups gnomAD compares: Non-Finnish European, 0.00034%; no homozygotes.

Submissions (2):

SIB Swiss Institute of Bioinformatics
Classification: Pathogenic for Hyper-IgE recurrent infection syndrome 3, autosomal recessive. Last evaluated: 2019-05-29. Review status: criteria provided, single submitter. Criteria: ACMG Guidelines, 2015. Collection method: curation. Allele origin: unknown.
Comment: This variant is interpreted as a Pathogenic for Hyper-IgE recurrent infection syndrome 3, autosomal recessive. The following ACMG Tag(s) were applied: PM2; PS3; PVS1; PP1-Moderate.

OMIM
Classification: Pathogenic for HYPER-IgE SYNDROME 3, AUTOSOMAL RECESSIVE, WITH RECURRENT INFECTIONS. Last evaluated: 2023-10-05. Review status: no assertion criteria provided. Collection method: literature only. Allele origin: germline. Not counted in ClinVar's aggregate classification.

Literature cited by the submitters: PubMed 29907690 (cited by SIB Swiss Institute of Bioinformatics and OMIM).